The following is an entry in ClinVar:

NM_006421.5(ARFGEF1):c.344A>G (p.Asn115Ser)

Gene: ARFGEF1 (ARF guanine nucleotide exchange factor 1; minus strand). Cytogenetic location: 8q13.2.
Variant type: single nucleotide variant.
Coding change: c.344A>G on transcript NM_006421.5 (MANE Select); coding-DNA position 344, A replaced by G.
Protein change: p.Asn115Ser; replaces asparagine 115 with serine.
Molecular consequence: missense variant. On other transcripts: 5 prime UTR variant (4), non-coding transcript variant (1).
Genome position (GRCh38, 1-based): chr8:67,299,324, T>C on the plus strand (A>G on the coding strand, the complement: ARFGEF1 is on the minus strand). VCF-style: chr8-67299324-T-C. GRCh37 (hg19) VCF-style: chr8-68211559-T-C.
Other names: c.344A>G, p.Asn115Ser (NM_001413184.1, NM_001413185.1, NM_001413186.1 and 7 more transcripts); c.-257A>G (NM_001413188.1, NM_001413193.1, NM_001413197.1); c.-772A>G (NM_001413196.1); short protein forms N115S.
Identifiers: ClinVar variation 4535698 (VCV004535698.1).

ClinVar aggregate classification (germline): Uncertain significance (1 of 4 stars; one submission).

gnomAD v4.1: 11 of 1,607,484 alleles (0.00068%); highest among the groups gnomAD compares: African/African-American, 0.008%; no homozygotes.

Submission:

Women's Health and Genetics/Laboratory Corporation of America, LabCorp
Classification: Uncertain significance. Last evaluated: 2025-09-05. Review status: criteria provided, single submitter. Criteria: LabCorp Variant Classification Summary - May 2015. Collection method: clinical testing. Allele origin: germline.
Comment: Variant summary: ARFGEF1 c.344A>G (p.Asn115Ser) results in a conservative amino acid change in the encoded protein sequence. Algorithms developed to predict the effect of missense changes on protein structure and function all suggest that this variant is likely to be tolerated. The variant allele was found at a frequency of 1.2e-05 in 241026 control chromosomes. The available data on variant occurrences in the general population are insufficient to allow any conclusion about variant significance. To our knowledge, no occurrence of c.344A>G in individuals affected with ARFGEF1-related conditions and no experimental evidence demonstrating its impact on protein function have been reported. No submitters have cited clinical-significance assessments for this variant to ClinVar. Based on the evidence outlined above, the variant was classified as uncertain significance.